The following is an entry in ClinVar:

ClinVar aggregate classification (germline): Conflicting classifications of pathogenicity. Review status: criteria provided, conflicting classifications (1 of 4 stars). 8 submissions from 8 submitters: Uncertain significance (1); Likely benign (5). 2 of the submissions do not count toward it. Last evaluated 2026-02-01.

Conditions:
ADGRV1-related disorder. Also called: ADGRV1-related condition; ADGRV1-related disorders.

Allele frequency attached by ClinVar (database versions not stated): gnomAD 0.00011; ExAC 0.00014; gnomAD exomes 0.00015 and 0.00020; 1000 Genomes Project 30x 0.00016; ESP Exome Variant Server 0.00016; TOPMed 0.00017; 1000 Genomes Project 0.00020.
gnomAD v4.1: 248 of 1,613,830 alleles (0.015%); highest among the groups gnomAD compares: Middle Eastern, 0.15%; 1 homozygote.

Submissions (8):

Labcorp Genetics (formerly Invitae), Labcorp
Classification: Likely benign. Last evaluated: 2026-02-01. Review status: criteria provided, single submitter. Criteria: Invitae Variant Classification Sherloc (09022015). Collection method: clinical testing. Allele origin: germline.

PreventionGenetics, part of Exact Sciences
Classification: Likely benign for ADGRV1-related condition. Last evaluated: 2024-11-20. Review status: criteria provided, single submitter. Criteria: ACMG Guidelines, 2015. Collection method: clinical testing. Allele origin: germline.
Comment: This variant is classified as likely benign based on ACMG/AMP sequence variant interpretation guidelines (Richards et al. 2015 PMID: 25741868, with internal and published modifications).

Blueprint Genetics
Classification: Likely benign. Last evaluated: 2024-10-29. Review status: criteria provided, single submitter. Criteria: ACMG Guidelines, 2015. Collection method: clinical testing. Allele origin: germline.

GeneDx
Classification: Likely benign. Last evaluated: 2020-11-24. Review status: criteria provided, single submitter. Criteria: GeneDx Variant Classification Process June 2021. Collection method: clinical testing. Allele origin: germline. Affected: yes.

Athena Diagnostics
Classification: Likely benign. Last evaluated: 2019-02-27. Review status: criteria provided, single submitter. Criteria: Athena Diagnostics Criteria. Collection method: clinical testing. Allele origin: germline.

Eurofins Ntd Llc (ga)
Classification: Uncertain significance. Last evaluated: 2015-12-07. Review status: criteria provided, single submitter. Criteria: EGL Classification Definitions 2015. Collection method: clinical testing. Allele origin: germline. Observed: 1 variant allele, 1 heterozygote.

Clinical Genetics DNA and cytogenetics Diagnostics Lab, Erasmus MC, Erasmus Medical Center
Classification: Likely benign. Review status: no assertion criteria provided. Collection method: clinical testing. Allele origin: germline. Affected: yes. Study: VKGL Data-share Consensus. Not counted in ClinVar's aggregate classification.

Clinical Genetics, Academic Medical Center
Classification: Benign. Review status: no assertion criteria provided. Collection method: clinical testing. Allele origin: germline. Affected: yes. Study: VKGL Data-share Consensus. Not counted in ClinVar's aggregate classification.

NM_032119.4(ADGRV1):c.7806C>G (p.Pro2602=)

Gene: ADGRV1 (adhesion G protein-coupled receptor V1; plus strand). Cytogenetic location: 5q14.3.
Variant type: single nucleotide variant.
Coding change: c.7806C>G on transcript NM_032119.4 (MANE Select); coding-DNA position 7806, C replaced by G.
Protein change: p.Pro2602=; no amino-acid change (proline 2602 retained).
Molecular consequence: synonymous variant. On other transcripts: non-coding transcript variant (1).
Genome position (GRCh38, 1-based): chr5:90,694,562, C>G. VCF-style: chr5-90694562-C-G. GRCh37 (hg19) VCF-style: chr5-89990379-C-G.
Identifiers: ClinVar variation 285040 (VCV000285040.24), dbSNP rs200241260, ClinGen allele CA3340094.
Genomic context (GRCh38, chr5:90,694,562, plus strand): 5'-CTACAATATTAGTCCCAATACTTCCGAAGATGGCTTATTTGTTGAAGTTCAGGAGCAGCC[C>G]CAAACCTTGGTGGAGCTGATGATACACAGGACAGGGGGCAGCTTAGGTCAAGTGGCAGTC-3'
Protein context (NP_115495.3, residues 2592-2612): DGLFVEVQEQ[Pro2602=]QTLVELMIHR